The following is an entry in ClinVar:

NM_020928.2(ZSWIM6):c.289C>A (p.Arg97Ser)

Gene: ZSWIM6 (zinc finger SWIM-type containing 6; plus strand). Cytogenetic location: 5q12.1.
Variant type: single nucleotide variant.
Coding change: c.289C>A on transcript NM_020928.2 (MANE Select); coding-DNA position 289, C replaced by A.
Protein change: p.Arg97Ser; replaces arginine 97 with serine.
Molecular consequence: missense variant.
Genome position (GRCh38, 1-based): chr5:61,332,561, C>A. VCF-style: chr5-61332561-C-A. GRCh37 (hg19) VCF-style: chr5-60628388-C-A.
Other names: short protein forms R97S.
Identifiers: ClinVar variation 1373017 (VCV001373017.6), dbSNP rs1414352823, ClinGen allele CA359940383.

ClinVar aggregate classification (germline): Uncertain significance (1 of 4 stars; one submission).

Submission:

Labcorp Genetics (formerly Invitae), Labcorp
Classification: Uncertain significance. Last evaluated: 2021-08-06. Review status: criteria provided, single submitter. Criteria: Invitae Variant Classification Sherloc (09022015). Collection method: clinical testing. Allele origin: germline.
Comment: In summary, the available evidence is currently insufficient to determine the role of this variant in disease. Therefore, it has been classified as a Variant of Uncertain Significance. Algorithms developed to predict the effect of missense changes on protein structure and function are either unavailable or do not agree on the potential impact of this missense change (SIFT: "Tolerated"; PolyPhen-2: "Not Available"; Align-GVGD: "Class C0"). This variant has not been reported in the literature in individuals affected with ZSWIM6-related conditions. The frequency data for this variant in the population databases is considered unreliable, as metrics indicate insufficient coverage at this position in the ExAC database. This sequence change replaces arginine with serine at codon 97 of the ZSWIM6 protein (p.Arg97Ser). The arginine residue is weakly conserved and there is a moderate physicochemical difference between arginine and serine.